The following is an entry in ClinVar:

NM_001009944.3(PKD1):c.5601T>C (p.Asn1867=)

Gene: PKD1 (polycystin 1, transient receptor potential channel interacting; minus strand). Cytogenetic location: 16p13.3.
Variant type: single nucleotide variant.
Coding change: c.5601T>C on transcript NM_001009944.3 (MANE Select); coding-DNA position 5601, T replaced by C.
Protein change: p.Asn1867=; no amino-acid change (asparagine 1867 retained).
Molecular consequence: synonymous variant.
Genome position (GRCh38, 1-based): chr16:2,109,566, A>G on the plus strand (T>C on the coding strand, the complement: PKD1 is on the minus strand). VCF-style: chr16-2109566-A-G. GRCh37 (hg19) VCF-style: chr16-2159567-A-G.
Other names: c.5601T>C, p.Asn1867= (NM_000296.4).
Identifiers: ClinVar variation 4991118 (VCV004991118.1).

ClinVar aggregate classification (germline): Likely benign (1 of 4 stars; one submission).

Conditions:
PKD1-related disorder. Also called: PKD1-related condition.

gnomAD v4.1: 1 of 1,611,740 alleles (0.000062%); highest among the groups gnomAD compares: Non-Finnish European, 0.000085%; no homozygotes.

Submission:

PreventionGenetics, part of Exact Sciences
Classification: Likely benign for PKD1-related condition. Last evaluated: 2026-08-03. Review status: criteria provided, single submitter. Criteria: ACMG Guidelines, 2015. Collection method: clinical testing. Allele origin: germline.
Comment: This variant is classified as likely benign based on ACMG/AMP sequence variant interpretation guidelines (Richards et al. 2015 PMID: 25741868, with internal and published modifications).